The following is an entry in ClinVar:

ClinVar aggregate classification (germline): Uncertain significance (1 of 4 stars; one submission).

Conditions:
Inborn genetic diseases. Identifiers: MedGen C0950123, MeSH D030342.

Allele frequency attached by ClinVar (database versions not stated): gnomAD exomes below 0.00001; gnomAD 0.00001.
gnomAD v4.1: 2 of 1,613,864 alleles (0.00012%); highest among the groups gnomAD compares: Admixed American, 0.0017%; no homozygotes.

Submission:

Ambry Genetics
Classification: Uncertain significance for Inborn genetic diseases. Last evaluated: 2017-08-17. Review status: criteria provided, single submitter. Criteria: Ambry Variant Classification Scheme 2023. Collection method: clinical testing. Allele origin: germline.
Comment: The p.G99S variant (also known as c.295G>A), located in coding exon 3 of the ANKRD11 gene, results from a G to A substitution at nucleotide position 295. The glycine at codon 99 is replaced by serine, an amino acid with similar properties. This amino acid position is well conserved in available vertebrate species. In addition, this alteration is predicted to be tolerated by in silico analysis. Since supporting evidence is limited at this time, the clinical significance of this alteration remains unclear.

NM_013275.6(ANKRD11):c.295G>A (p.Gly99Ser)

Gene: ANKRD11 (ankyrin repeat domain containing 11; minus strand). Cytogenetic location: 16q24.3.
Variant type: single nucleotide variant.
Coding change: c.295G>A on transcript NM_013275.6 (MANE Select); coding-DNA position 295, G replaced by A.
Protein change: p.Gly99Ser; replaces glycine 99 with serine.
Molecular consequence: missense variant. On other transcripts: non-coding transcript variant (1).
Genome position (GRCh38, 1-based): chr16:89,291,115, C>T on the plus strand (G>A on the coding strand, the complement: ANKRD11 is on the minus strand). VCF-style: chr16-89291115-C-T. GRCh37 (hg19) VCF-style: chr16-89357523-C-T.
Other names: c.295G>A, p.Gly99Ser (NM_001256182.2, NM_001256183.2); short protein forms G99S.
Identifiers: ClinVar variation 589640 (VCV000589640.5), dbSNP rs1567593338, ClinGen allele CA397167776.